The following is an entry in ClinVar:

ClinVar aggregate classification (germline): Benign (1 of 4 stars; one submission).

Conditions:
Pitt-Hopkins syndrome (PTHS). Also called: ENCEPHALOPATHY, SEVERE EPILEPTIC, WITH AUTONOMIC DYSFUNCTION; MENTAL RETARDATION, SYNDROMAL, WITH INTERMITTENT HYPERVENTILATION. Identifiers: Orphanet 2896, MedGen C1970431, MONDO:0012589, OMIM 610954.

Allele frequency attached by ClinVar (database versions not stated): gnomAD 0.00032 and 0.00040; TOPMed 0.00037; 1000 Genomes Project 30x 0.00078; 1000 Genomes Project 0.00100.

Submission:

Illumina Laboratory Services, Illumina
Classification: Benign for Pitt-Hopkins syndrome. Last evaluated: 2018-01-12. Review status: criteria provided, single submitter. Criteria: ICSL Variant Classification Criteria 13 December 2019. Collection method: clinical testing. Allele origin: germline.
Comment: This variant was observed in the ICSL laboratory as part of a predisposition screen in an ostensibly healthy population. It had not been previously curated by ICSL or reported in the Human Gene Mutation Database (HGMD: prior to June 1st, 2018), and was therefore a candidate for classification through an automated scoring system. Utilizing variant allele frequency, disease prevalence and penetrance estimates, and inheritance mode, an automated score was calculated to assess if this variant is too frequent to cause the disease. Based on the score and internal cut-off values, a variant classified as benign is not then subjected to further curation. The score for this variant resulted in a classification of benign for this disease.

NM_001083962.2(TCF4):c.*5369C>T

Gene: TCF4 (transcription factor 4; minus strand). Cytogenetic location: 18q21.2.
Variant type: single nucleotide variant.
Coding change: c.*5369C>T on transcript NM_001083962.2 (MANE Select); 5369 bases downstream of the stop codon, C replaced by T.
Molecular consequence: 3 prime UTR variant.
Genome position (GRCh38, 1-based): chr18:55,222,666, G>A on the plus strand (C>T on the coding strand, the complement: TCF4 is on the minus strand). VCF-style: chr18-55222666-G-A. GRCh37 (hg19) VCF-style: chr18-52889897-G-A.
Other names: c.*5369C>T (NM_001243226.3, NM_001243227.2, NM_001243228.2 and 42 more transcripts).
Identifiers: ClinVar variation 889920 (VCV000889920.4), dbSNP rs75090842, ClinGen allele CA300788250.
Genomic context (GRCh38, chr18:55,222,666, plus strand): 5'-AGACATCCCCAAATACCACGTACTTGATTAGAACATTCTGTTATGAAGCGCTCAGCTACC[G>A]CGGGCTTTCCTTTACATTGCATACATTACTTTACATTTCTACAGTGCAATGTTGAAATAG-3'